The following is an entry in ClinVar:

ClinVar aggregate classification (germline): Likely pathogenic (1 of 4 stars; one submission).

Submission:

GeneDx
Classification: Likely pathogenic. Last evaluated: 2025-09-08. Review status: criteria provided, single submitter. Criteria: GeneDx Variant Classification Process June 2021. Collection method: clinical testing. Allele origin: germline. Affected: yes.
Comment: Canonical splice site variant predicted to result in an in-frame loss of the adjacent exon in a gene for which loss of function is a known mechanism of disease; Not observed at significant frequency in large population cohorts (gnomAD); Has not been previously published as pathogenic or benign to our knowledge

NM_182931.3(KMT2E):c.1624-1G>T

Gene: KMT2E (lysine methyltransferase 2E (inactive); plus strand). Cytogenetic location: 7q22.3.
Variant type: single nucleotide variant.
Coding change: c.1624-1G>T on transcript NM_182931.3 (MANE Select); the canonical splice acceptor site of the intron before coding-DNA position 1624, G replaced by T.
Molecular consequence: splice acceptor variant.
Genome position (GRCh38, 1-based): chr7:105,091,215, G>T. VCF-style: chr7-105091215-G-T. GRCh37 (hg19) VCF-style: chr7-104731662-G-T.
Other names: c.1624-1G>T (NM_001410908.1, NM_018682.4).
Identifiers: ClinVar variation 4813236 (VCV004813236.1).